The following is an entry in ClinVar:

NM_001042492.3(NF1):c.5186_5187delinsG (p.Ala1729fs)

Gene: NF1 (neurofibromin 1; plus strand). Cytogenetic location: 17q11.2.
Variant type: Indel.
Coding change: c.5186_5187delinsG on transcript NM_001042492.3 (MANE Select); coding-DNA positions 5186 to 5187, CC replaced by G.
Protein change: p.Ala1729fs; shifts the reading frame from alanine 1729.
Molecular consequence: frameshift variant.
Genome position (GRCh38, 1-based): chr17:31,326,170-31,326,171, CC replaced by G. VCF-style: chr17-31326170-CC-G. GRCh37 (hg19) VCF-style: chr17-29653188-CC-G.
Other names: c.5123_5124delinsG, p.Ala1708fs (NM_000267.4); short protein forms A1729fs, A1708fs.
Identifiers: ClinVar variation 4119141 (VCV004119141.1).

ClinVar aggregate classification (germline): Pathogenic (1 of 4 stars; one submission).

Conditions:
Cardiovascular phenotype. Identifiers: MedGen CN230736.
Hereditary cancer-predisposing syndrome. Also called: Hereditary neoplastic syndrome; Neoplastic Syndromes, Hereditary; Tumor predisposition; Hereditary Cancer Syndrome. Identifiers: Orphanet 140162, MedGen C0027672, MeSH D009386, MONDO:0015356.

Submission:

Ambry Genetics
Classification: Pathogenic for Cardiovascular phenotype; Hereditary cancer-predisposing syndrome. Last evaluated: 2025-08-26. Review status: criteria provided, single submitter. Criteria: Ambry Variant Classification Scheme 2023. Collection method: clinical testing. Allele origin: germline.
Comment: The c.5123_5124delCCinsG pathogenic mutation, located in coding exon 36 of the NF1 gene, results from the deletion of two nucleotides and insertion of one nucleotide causing a translational frameshift with a predicted alternate stop codon (p.A1708Gfs*5). This variant is considered to be rare based on population cohorts in the Genome Aggregation Database (gnomAD). This alteration is expected to result in loss of function by premature protein truncation or nonsense-mediated mRNA decay. As such, this alteration is interpreted as a disease-causing mutation.